The following is an entry in ClinVar:

NM_000143.4(FH):c.1391-14dup

Gene: FH (fumarate hydratase; minus strand). Cytogenetic location: 1q43.
Variant type: Duplication.
Coding change: c.1391-14dup on transcript NM_000143.4 (MANE Select); 14 bases into the intron before coding-DNA position 1391, one base duplicated (T; older notation c.1391-14dupT).
Molecular consequence: intron variant.
Genome position (GRCh38, 1-based): chr1:241,497,984, A duplicated on the plus strand (T on the coding strand, the reverse complement: FH is on the minus strand); the first of 5 consecutive A bases (chr1:241,497,984-241,497,988); duplicating any one gives the same sequence. VCF-style (leftmost placement, unchanged base first): chr1-241497983-T-TA. GRCh37 (hg19) VCF-style: chr1-241661283-T-TA.
Identifiers: ClinVar variation 3773274 (VCV003773274.1).
Genomic context (GRCh38, chr1:241,497,983, plus strand): 5'-ATCCATTTTTGTGTGCTGTCTTAGCAATCTTTGCTGCCTTGTCATACCCTGAAGAAAAAA[T>TA]AAAAAGACGACATATGGGTTAGCAGTGATATTTGGTTTCCTAAAGCAAAAGGTGACATAA-3'

ClinVar aggregate classification (germline): Likely benign (1 of 4 stars; one submission).

Conditions:
Hereditary leiomyomatosis and renal cell cancer. Also called: MULTIPLE CUTANEOUS AND UTERINE LEIOMYOMATA 1, WITH OR WITHOUT RENAL CELL CARCINOMA; LEIOMYOMA, MULTIPLE CUTANEOUS; FH tumor predisposition syndrome; Reed syndrome; Multiple cutaneous and uterine leiomyomatosis; Cutaneous leiomyomata with uterine leiomyomata. Identifiers: Orphanet 523, MedGen C1708350, MONDO:0007888, OMIM 150800, HP:0007437. Disease mechanism: loss of function.

Submission:

Myriad Genetics, Inc.
Classification: Likely benign for Hereditary leiomyomatosis and renal cell cancer. Last evaluated: 2024-10-21. Review status: criteria provided, single submitter. Criteria: Myriad Autosomal Dominant, Autosomal Recessive and X-Linked Classification Criteria (2023). Collection method: clinical testing. Allele origin: unknown.
Comment: This variant is considered likely benign. This variant is intronic and is not expected to impact mRNA splicing.